The following is an entry in ClinVar:

ClinVar aggregate classification (germline): Uncertain significance (1 of 4 stars; one submission).

Allele frequency attached by ClinVar (database versions not stated): gnomAD exomes below 0.00001; gnomAD 0.00001; TOPMed 0.00001.
gnomAD v4.1: 2 of 1,596,910 alleles (0.00013%); highest among the groups gnomAD compares: Non-Finnish European, 0.00017%; no homozygotes.

Submission:

Ambry Genetics
Classification: Uncertain significance. Last evaluated: 2024-07-18. Review status: criteria provided, single submitter. Criteria: Ambry Variant Classification Scheme 2023. Collection method: clinical testing. Allele origin: germline.
Comment: The p.E931G variant (also known as c.2792A>G), located in coding exon 23 of the BUB1 gene, results from an A to G substitution at nucleotide position 2792. The glutamic acid at codon 931 is replaced by glycine, an amino acid with similar properties. This amino acid position is conserved. In addition, this alteration is predicted to be tolerated by in silico analysis. Since supporting evidence is limited at this time, the clinical significance of this alteration remains unclear.

NM_004336.5(BUB1):c.2792A>G (p.Glu931Gly)

Gene: BUB1 (BUB1 mitotic checkpoint serine/threonine kinase; minus strand). Cytogenetic location: 2q13.
Variant type: single nucleotide variant.
Coding change: c.2792A>G on transcript NM_004336.5 (MANE Select); coding-DNA position 2792, A replaced by G.
Protein change: p.Glu931Gly; replaces glutamic acid 931 with glycine.
Molecular consequence: missense variant. On other transcripts: intron variant (1).
Genome position (GRCh38, 1-based): chr2:110,641,197, T>C on the plus strand (A>G on the coding strand, the complement: BUB1 is on the minus strand). VCF-style: chr2-110641197-T-C. GRCh37 (hg19) VCF-style: chr2-111398774-T-C.
Other names: c.2732A>G, p.Glu911Gly (NM_001278616.2); c.2626-5A>G (NM_001278617.2); short protein forms E911G, E931G.
Identifiers: ClinVar variation 1796062 (VCV001796062.3), dbSNP rs1689494674, ClinGen allele CA348089292.